The following is an entry in ClinVar:

ClinVar aggregate classification (germline): Uncertain significance (1 of 4 stars; one submission).

Conditions:
Retinoblastoma (RB1). Also called: RETINOBLASTOMA, SOMATIC. Identifiers: Orphanet 790, MedGen C0035335, MeSH D012175, MONDO:0008380, OMIM 180200, HP:0009919. Disease mechanism: loss of function. Inheritance: Both sporadic and heritable forms are tested..

Submission:

All of Us Research Program, National Institutes of Health
Classification: Uncertain significance for Retinoblastoma. Last evaluated: 2023-08-08. Review status: criteria provided, single submitter. Criteria: ACMG Guidelines, 2015. Collection method: clinical testing. Allele origin: germline. Inheritance: Autosomal dominant inheritance. Observed: 1 variant allele, 1 heterozygote.
Comment: This variant is a duplication of alanine 17 and alanine 18 in exon 1 of the RB1 protein. To our knowledge, functional studies have not been reported for this variant. This variant has not been reported in individuals affected with RB1-related disorders in the literature. This variant has not been identified in the general population by the Genome Aggregation Database (gnomAD). The available evidence is insufficient to determine the role of this variant in disease conclusively. Therefore, this variant is classified as a Variant of Uncertain Significance.

This study involves interpretation of variants in research participants for the purpose of population health screening. Participant phenotype was not available at the time of variant classification. Additional details can be found in publication PMID: 35346344, PMCID: PMC8962531

NM_000321.3(RB1):c.48CGC[4] (p.Ala18_Glu19insAlaAla)

Gene: RB1 (RB transcriptional corepressor 1; plus strand). Cytogenetic location: 13q14.2.
Variant type: Microsatellite.
Coding change: c.48CGC[4] on transcript NM_000321.3 (MANE Select); four copies in a row of the 3-base unit CGC starting at c.48; the reference has two copies in a row; two copies, 6 bases duplicated.
Protein change: p.Ala18_Glu19insAlaAla.
Molecular consequence: inframe insertion.
Genome position (GRCh38, 1-based): chr13:48,303,960-48,303,965, CGCCGC duplicated; duplicating any 6 consecutive bases within chr13:48,303,958-48,303,965 gives the same sequence; the position shown is the placement nearest the transcript's 3' end. VCF-style (leftmost placement, unchanged base first): chr13-48303957-T-TGCCGCC. GRCh37 (hg19) VCF-style: chr13-48878093-T-TGCCGCC.
Other names: c.48CGC[4], p.Ala18_Glu19insAlaAla (NM_001407165.1, NM_001407166.1, NM_001407167.1).
Identifiers: ClinVar variation 3072549 (VCV003072549.1), dbSNP rs1952052800, ClinGen allele CA2825002178.
Genomic context (GRCh38, chr13:48,303,957, plus strand): 5'-GCCGCGGAAAGGCGTCATGCCGCCCAAAACCCCCCGAAAAACGGCCGCCACCGCCGCCGC[T>TGCCGCC]GCCGCCGCGGAACCCCCGGCACCGCCGCCGCCGCCCCCTCCTGAGGAGGACCCAGAGCAG-3'